The following is an entry in ClinVar:

ClinVar aggregate classification (germline): Pathogenic (1 of 4 stars; one submission).

Conditions:
Cholestanol storage disease (CTX). Also called: Cerebrotendinous Xanthomatosis; CEREBRAL CHOLESTERINOSIS; CTX: Cerebrotendinous xanthomatosis. Identifiers: Orphanet 909, MedGen C0238052, MONDO:0008948, OMIM 213700.

Submission:

Labcorp Genetics (formerly Invitae), Labcorp
Classification: Pathogenic for Cholestanol storage disease. Last evaluated: 2019-10-09. Review status: criteria provided, single submitter. Criteria: Invitae Variant Classification Sherloc (09022015). Collection method: clinical testing. Allele origin: germline.
Comment: For these reasons, this variant has been classified as Pathogenic. Loss-of-function variants in CYP27A1 are known to be pathogenic (PMID: 9392430, 10775536, 26937392). This variant has not been reported in the literature in individuals with CYP27A1-related conditions. The frequency data for this variant in the population databases is considered unreliable, as metrics indicate insufficient coverage at this position in the ExAC database. This sequence change creates a premature translational stop signal (p.His23Glnfs*153) in the CYP27A1 gene. It is expected to result in an absent or disrupted protein product.

Literature cited by the submitters: PubMed 9392430; PubMed 10775536; PubMed 26937392.

NM_000784.4(CYP27A1):c.69_82del (p.His23fs)

Gene: CYP27A1 (cytochrome P450 family 27 subfamily A member 1; plus strand). Cytogenetic location: 2q35.
Variant type: Deletion.
Coding change: c.69_82del on transcript NM_000784.4 (MANE Select); coding-DNA positions 69 to 82, 14 bases deleted (CGGGGCCAGAGCCA).
Protein change: p.His23fs; shifts the reading frame from histidine 23.
Molecular consequence: frameshift variant.
Genome position (GRCh38, 1-based): chr2:218,782,251-218,782,264, CGGGGCCAGAGCCA deleted; deleting any 14 consecutive bases within chr2:218,782,248-218,782,264 gives the same sequence; the c. name uses the placement nearest the transcript's 3' end. VCF-style (leftmost placement, unchanged base first): chr2-218782247-CCCACGGGGCCAGAG-C. GRCh37 (hg19) VCF-style: chr2-219646970-CCCACGGGGCCAGAG-C.
Other names: short protein forms H23fs.
Identifiers: ClinVar variation 968241 (VCV000968241.7), dbSNP rs1943398587, ClinGen allele CA1139657691.